The following is an entry in ClinVar:

ClinVar aggregate classification (germline): Conflicting classifications of pathogenicity. Review status: criteria provided, conflicting classifications (1 of 4 stars). 5 submissions from 5 submitters: Uncertain significance (1); Benign (2); Likely benign (2). Last evaluated 2024-12-12.

Conditions:
COCH-related disorder. Also called: COCH-related condition.
Autosomal dominant nonsyndromic hearing loss 9. Identifiers: Orphanet 90635, MedGen C1832425, MONDO:0011058, OMIM 601369.

Allele frequency attached by ClinVar (database versions not stated): gnomAD 0.00001 and 0.00017; TOPMed 0.00002; gnomAD exomes 0.00036 and 0.00080; 1000 Genomes Project 30x 0.00094; ExAC 0.00096; 1000 Genomes Project 0.00120.
gnomAD v4.1: 541 of 1,614,170 alleles (0.034%); highest among the groups gnomAD compares: South Asian, 0.57%; 7 homozygotes.

Submissions (5):

PreventionGenetics, part of Exact Sciences
Classification: Likely benign for COCH-related condition. Last evaluated: 2024-12-12. Review status: criteria provided, single submitter. Criteria: ACMG Guidelines, 2015. Collection method: clinical testing. Allele origin: germline.
Comment: This variant is classified as likely benign based on ACMG/AMP sequence variant interpretation guidelines (Richards et al. 2015 PMID: 25741868, with internal and published modifications).

Labcorp Genetics (formerly Invitae), Labcorp
Classification: Benign. Last evaluated: 2023-12-05. Review status: criteria provided, single submitter. Criteria: Invitae Variant Classification Sherloc (09022015). Collection method: clinical testing. Allele origin: germline.

CeGaT Center for Human Genetics Tuebingen
Classification: Likely benign. Last evaluated: 2023-09-01. Review status: criteria provided, single submitter. Criteria: CeGaT Center For Human Genetics Tuebingen Variant Classification Criteria Version 2. Collection method: clinical testing. Allele origin: germline. Affected: yes. Observed: 1 variant allele.
Comment: COCH: BP4, BS1

Illumina Laboratory Services, Illumina
Classification: Benign for Autosomal dominant nonsyndromic hearing loss 9. Last evaluated: 2018-01-12. Review status: criteria provided, single submitter. Criteria: ICSL Variant Classification Criteria 13 December 2019. Collection method: clinical testing. Allele origin: germline.
Comment: This variant was observed in the ICSL laboratory as part of a predisposition screen in an ostensibly healthy population. It had not been previously curated by ICSL or reported in the Human Gene Mutation Database (HGMD: prior to June 1st, 2018), and was therefore a candidate for classification through an automated scoring system. Utilizing variant allele frequency, disease prevalence and penetrance estimates, and inheritance mode, an automated score was calculated to assess if this variant is too frequent to cause the disease. Based on the score and internal cut-off values, a variant classified as benign is not then subjected to further curation. The score for this variant resulted in a classification of benign for this disease.

Eurofins Ntd Llc (ga)
Classification: Uncertain significance. Last evaluated: 2015-01-16. Review status: criteria provided, single submitter. Criteria: EGL Classification Definitions 2015. Collection method: clinical testing. Allele origin: germline. Observed: 1 variant allele, 1 heterozygote.

NM_004086.3(COCH):c.239+5G>A

Genes: COCH-AS1 (COCH antisense RNA 1; minus strand), COCH (cochlin; plus strand). Cytogenetic location: 14q12.
Variant type: single nucleotide variant.
Coding change: c.239+5G>A on transcript NM_004086.3 (MANE Select); 5 bases into the intron after coding-DNA position 239, G replaced by A.
Molecular consequence: intron variant.
Genome position (GRCh38, 1-based): chr14:30,877,733, G>A. VCF-style: chr14-30877733-G-A. GRCh37 (hg19) VCF-style: chr14-31346939-G-A.
Other names: c.434+5G>A (NM_001347720.2); c.239+5G>A (NM_001135058.2, NM_001135058.1).
Identifiers: ClinVar variation 197227 (VCV000197227.38), dbSNP rs563163157, ClinGen allele CA245236.